The following is an entry in ClinVar:

ClinVar aggregate classification (germline): Uncertain significance (1 of 4 stars; one submission).

Conditions:
Early-onset Lafora body disease. Also called: Epilepsy, progressive myoclonic, 10. Identifiers: Orphanet 324290, MedGen C4225258, MONDO:0014717, OMIM 616640.

Allele frequency attached by ClinVar (database versions not stated): TOPMed below 0.00001; gnomAD 0.00001.
gnomAD v4.1: 1 of 1,260,846 alleles (0.000079%); highest among the groups gnomAD compares: Non-Finnish European, 0.000099%; no homozygotes.

Submission:

Labcorp Genetics (formerly Invitae), Labcorp
Classification: Uncertain significance for Early-onset Lafora body disease. Last evaluated: 2022-06-04. Review status: criteria provided, single submitter. Criteria: Invitae Variant Classification Sherloc (09022015). Collection method: clinical testing. Allele origin: germline.
Comment: This variant has not been reported in the literature in individuals affected with PRDM8-related conditions. This sequence change replaces lysine, which is basic and polar, with asparagine, which is neutral and polar, at codon 435 of the PRDM8 protein (p.Lys435Asn). This variant is present in population databases (no rsID available, gnomAD 0.007%). Algorithms developed to predict the effect of missense changes on protein structure and function are either unavailable or do not agree on the potential impact of this missense change (SIFT: "Tolerated"; PolyPhen-2: "Probably Damaging"; Align-GVGD: "Class C0"). In summary, the available evidence is currently insufficient to determine the role of this variant in disease. Therefore, it has been classified as a Variant of Uncertain Significance.

NM_001099403.2(PRDM8):c.1305G>C (p.Lys435Asn)

Gene: PRDM8 (PR/SET domain 8; plus strand). Cytogenetic location: 4q21.21.
Variant type: single nucleotide variant.
Coding change: c.1305G>C on transcript NM_001099403.2 (MANE Select); coding-DNA position 1305, G replaced by C.
Protein change: p.Lys435Asn; replaces lysine 435 with asparagine.
Molecular consequence: missense variant.
Genome position (GRCh38, 1-based): chr4:80,202,767, G>C. VCF-style: chr4-80202767-G-C. GRCh37 (hg19) VCF-style: chr4-81123921-G-C.
Other names: c.1305G>C, p.Lys435Asn (NM_020226.4); short protein forms K435N.
Identifiers: ClinVar variation 1944912 (VCV001944912.5), dbSNP rs1447678585, ClinGen allele CA357399990.
Genomic context (GRCh38, chr4:80,202,767, plus strand): 5'-CGCTGGCGGCGGCGGCGGCTCCTCCACGCCCGCGGCCGCGTCACCGGTGGGCGCCGAGAA[G>C]CTGCTGGCCCCGCGGCCTGGGGGCCCGCTGCCCAGCCGGCTCGAGGGCGGCAGTCCTGCG-3'
Protein context (NP_001092873.1, residues 425-445): PAAASPVGAE[Lys435Asn]LLAPRPGGPL